The following is an entry in ClinVar:

NM_007294.4(BRCA1):c.192T>A (p.Cys64Ter)

Gene: BRCA1 (BRCA1 DNA repair associated; minus strand). Cytogenetic location: 17q21.31.
Variant type: single nucleotide variant.
Coding change: c.192T>A on transcript NM_007294.4 (MANE Select); coding-DNA position 192, T replaced by A.
Protein change: p.Cys64Ter; replaces cysteine 64 with a stop codon.
Molecular consequence: nonsense.
Genome position (GRCh38, 1-based): chr17:43,106,476, A>T on the plus strand (T>A on the coding strand, the complement: BRCA1 is on the minus strand). VCF-style: chr17-43106476-A-T. GRCh37 (hg19) VCF-style: chr17-41258493-A-T.
Other names: c.192T>A, p.Cys64Ter (NM_001407581.1, NM_001407582.1, NM_001407583.1 and 168 more transcripts); c.51T>A, p.Cys17Ter (NM_001407920.1, NM_001407921.1, NM_001407922.1 and 99 more transcripts); short protein forms C64*, C17*.
Identifiers: ClinVar variation 141286 (VCV000141286.10), dbSNP rs587781632, ClinGen allele CA001275.

ClinVar aggregate classification (germline): Pathogenic. Review status: reviewed by expert panel (3 of 4 stars). 2 submissions from 2 submitters: Pathogenic (1). 1 of the submissions does not count toward it. Last evaluated 2016-09-08.

Conditions:
Hereditary cancer-predisposing syndrome. Also called: Tumor predisposition; Hereditary neoplastic syndrome; Hereditary Cancer Syndrome; Neoplastic Syndromes, Hereditary. Identifiers: Orphanet 140162, MedGen C0027672, MeSH D009386, MONDO:0015356.
Breast-ovarian cancer, familial, susceptibility to, 1 (BROVCA1). Also called: BRCA1 Hereditary Breast and Ovarian Cancer; OVARIAN CANCER, SUSCEPTIBILITY TO. Identifiers: Orphanet 145, MedGen C2676676, MONDO:0011450, OMIM 604370. Disease mechanism: loss of function.

Submissions (3):

Evidence-based Network for the Interpretation of Germline Mutant Alleles (ENIGMA)
Classification: Pathogenic for Breast-ovarian cancer, familial, susceptibility to, 1. Last evaluated: 2016-09-08. Review status: reviewed by expert panel. Criteria: ENIGMA BRCA1/2 Classification Criteria (2015). Collection method: curation. Allele origin: germline.
Comment: Variant allele predicted to encode a truncated non-functional protein.

Ambry Genetics
Classification: Pathogenic for Hereditary cancer-predisposing syndrome. Last evaluated: 2017-01-16. Review status: criteria provided, single submitter. Criteria: Ambry Variant Classification Scheme 2023. Collection method: clinical testing. Allele origin: germline. Not counted in ClinVar's aggregate classification.
Comment: The p.C64* pathogenic mutation (also known as c.192T>A), located in coding exon 3 of the BRCA1 gene, results from a T to A substitution at nucleotide position 192. This changes the amino acid from a cysteine to a stop codon within coding exon 3. This alteration is expected to result in loss of function by premature protein truncation or nonsense-mediated mRNA decay. As such, this alteration is interpreted as a disease-causing mutation.

Brotman Baty Institute, University of Washington
No classification provided (evidence only). Condition: Breast-ovarian cancer, familial 1. Review status: no classification provided. Collection method: in vitro. Allele origin: not applicable. Functional consequence: functionally_abnormal. Not counted in ClinVar's aggregate classification.
ClinVar note: "not provided" was previously submitted as the classification for the variant. However, the classification appeared to be based only on an observation of functional data so it was converted to no classification on 2025-07-30.